The following is an entry in ClinVar:

NM_006767.4(LZTR1):c.1360_1361delinsTGC (p.Glu454fs)

Gene: LZTR1 (leucine zipper like post translational regulator 1; plus strand). Cytogenetic location: 22q11.21.
Variant type: Indel.
Coding change: c.1360_1361delinsTGC on transcript NM_006767.4 (MANE Select); coding-DNA positions 1360 to 1361, GA replaced by TGC.
Protein change: p.Glu454fs; shifts the reading frame from glutamic acid 454.
Molecular consequence: frameshift variant.
Genome position (GRCh38, 1-based): chr22:20,993,930-20,993,931, GA replaced by TGC. VCF-style: chr22-20993930-GA-TGC. GRCh37 (hg19) VCF-style: chr22-21348219-GA-TGC.
Other names: short protein forms E454fs.
Identifiers: ClinVar variation 3238065 (VCV003238065.1), dbSNP rs2518620371.

ClinVar aggregate classification (germline): Pathogenic (1 of 4 stars; one submission).

Conditions:
Hereditary cancer-predisposing syndrome. Also called: Neoplastic Syndromes, Hereditary; Tumor predisposition; Hereditary neoplastic syndrome; Hereditary Cancer Syndrome. Identifiers: Orphanet 140162, MedGen C0027672, MeSH D009386, MONDO:0015356.
Cardiovascular phenotype. Identifiers: MedGen CN230736.

Submission:

Ambry Genetics
Classification: Pathogenic for Cardiovascular phenotype; Hereditary cancer-predisposing syndrome. Last evaluated: 2023-11-16. Review status: criteria provided, single submitter. Criteria: Ambry Variant Classification Scheme 2023. Collection method: clinical testing. Allele origin: germline.
Comment: The c.1360_1361delGAinsTGC pathogenic mutation, located in coding exon 13 of the LZTR1 gene, results from the deletion of two nucleotides and insertion of 3 nucleotides causing a translational frameshift with a predicted alternate stop codon (p.E454Cfs*215). Loss-of-function variants in LZTR1 are related to an increased risk for schwannomas and autosomal recessive Noonan syndrome; however, such associations with autosomal dominant Noonan syndrome have not been observed (Piotrowski A et al. Nat Genet. 2014 Feb;46:182-7; Yamamoto GL et al. J Med Genet. 2015 Jun;52:413-21; Johnston JJ et al. Genet Med. 2018 10;20:1175-1185). Based on the supporting evidence, this variant is pathogenic for an increased risk of LZTR1-related schwannomatosis (SWN) and would be expected to cause autosomal recessive Noonan syndrome when present along with a second pathogenic or likely pathogenic variant on the other allele; however, the association of this alteration with autosomal dominant Noonan syndrome is unlikely.